The following is an entry in ClinVar:

ClinVar aggregate classification (germline): Pathogenic (1 of 4 stars; one submission).

Submission:

GeneDx
Classification: Pathogenic. Last evaluated: 2019-03-12. Review status: criteria provided, single submitter. Criteria: GeneDx Variant Classification (06012015). Collection method: clinical testing. Allele origin: germline. Affected: yes.
Comment: The c.2389dupG variant in the CHD7 gene causes a frameshift starting with codon Alanine 797, changes this amino acid to a Glycine residue and creates a premature Stop codon at position 28 of the new reading frame, denoted p.Ala797GlyfsX28. This variant is predicted to cause loss of normal protein function either through protein truncation or nonsense-mediated mRNA decay. The c.2389dupG variant is not observed in large population cohorts (Lek et al., 2016). Although this variant has not been previously reported to our knowledge, we interpret it as pathogenic.

NM_017780.4(CHD7):c.2389dup (p.Ala797fs)

Gene: CHD7 (chromodomain helicase DNA binding protein 7; plus strand). Cytogenetic location: 8q12.2.
Variant type: Duplication.
Coding change: c.2389dup on transcript NM_017780.4 (MANE Select); coding-DNA position 2389, one base duplicated (G; older notation c.2389dupG).
Protein change: p.Ala797fs; shifts the reading frame from alanine 797.
Molecular consequence: frameshift variant. On other transcripts: intron variant (1).
Genome position (GRCh38, 1-based): chr8:60,801,540, G duplicated. VCF-style (leftmost placement, unchanged base first): chr8-60801539-T-TG. GRCh37 (hg19) VCF-style: chr8-61714098-T-TG.
Other names: c.1716+20490dup (NM_001316690.1); short protein forms A797fs.
Identifiers: ClinVar variation 818066 (VCV000818066.1), dbSNP rs1586352770, ClinGen allele CA915945712.